The following is an entry in ClinVar:

ClinVar aggregate classification (germline): Uncertain significance (1 of 4 stars; one submission).

Submission:

Labcorp Genetics (formerly Invitae), Labcorp
Classification: Uncertain significance. Last evaluated: 2024-05-07. Review status: criteria provided, single submitter. Criteria: Invitae Variant Classification Sherloc (09022015). Collection method: clinical testing. Allele origin: germline.
Comment: This sequence change replaces glutamine, which is neutral and polar, with arginine, which is basic and polar, at codon 232 of the TRPV6 protein (p.Gln232Arg). This variant is not present in population databases (gnomAD no frequency). This variant has not been reported in the literature in individuals affected with TRPV6-related conditions. Experimental studies and prediction algorithms are not available or were not evaluated, and the functional significance of this variant is currently unknown. In summary, the available evidence is currently insufficient to determine the role of this variant in disease. Therefore, it has been classified as a Variant of Uncertain Significance.

NM_018646.6(TRPV6):c.695A>G (p.Gln232Arg)

Gene: TRPV6 (transient receptor potential cation channel subfamily V member 6; minus strand). Cytogenetic location: 7q34.
Variant type: single nucleotide variant.
Coding change: c.695A>G on transcript NM_018646.6 (MANE Select); coding-DNA position 695, A replaced by G.
Protein change: p.Gln232Arg; replaces glutamine 232 with arginine.
Molecular consequence: missense variant.
Genome position (GRCh38, 1-based): chr7:142,876,750, T>C on the plus strand (A>G on the coding strand, the complement: TRPV6 is on the minus strand). VCF-style: chr7-142876750-T-C. GRCh37 (hg19) VCF-style: chr7-142574503-T-C.
Other names: short protein forms Q232R.
Identifiers: ClinVar variation 3684593 (VCV003684593.2).